The following is an entry in ClinVar:

NM_004840.3(ARHGEF6):c.14A>G (p.Glu5Gly)

Gene: ARHGEF6 (Rac/Cdc42 guanine nucleotide exchange factor 6; minus strand). Cytogenetic location: Xq26.3.
Variant type: single nucleotide variant.
Coding change: c.14A>G on transcript NM_004840.3 (MANE Select); coding-DNA position 14, A replaced by G.
Protein change: p.Glu5Gly; replaces glutamic acid 5 with glycine.
Molecular consequence: missense variant.
Genome position (GRCh38, 1-based): chrX:136,780,869, T>C on the plus strand (A>G on the coding strand, the complement: ARHGEF6 is on the minus strand). VCF-style: chrX-136780869-T-C. GRCh37 (hg19) VCF-style: chrX-135863028-T-C.
Other names: short protein forms E5G.
Identifiers: ClinVar variation 1305268 (VCV001305268.3), dbSNP rs2148693439, ClinGen allele CA414760861.

ClinVar aggregate classification (germline): Uncertain significance (1 of 4 stars; one submission).

Submission:

GeneDx
Classification: Uncertain significance. Last evaluated: 2022-01-20. Review status: criteria provided, single submitter. Criteria: GeneDx Variant Classification Process June 2021. Collection method: clinical testing. Allele origin: germline. Affected: yes.
Comment: Not observed at significant frequency in large population cohorts (gnomAD); In silico analysis supports that this missense variant does not alter protein structure/function; Has not been previously published as pathogenic or benign to our knowledge; Variants in candidate genes are classified as variants of uncertain significance in accordance with ACMG guidelines (Richards et al., 2015)